The following is an entry in ClinVar:

ClinVar aggregate classification (germline): Likely benign. Review status: criteria provided, multiple submitters, no conflicts (2 of 4 stars). 3 submissions from 3 submitters: Likely benign (3). Last evaluated 2025-08-12.

Conditions:
CDH23-related disorder. Also called: CDH23-related condition; CDH23-related disorders.

gnomAD v4.1: 4 of 1,612,274 alleles (0.00025%); highest among the groups gnomAD compares: African/African-American, 0.0053%; no homozygotes.

Submissions (3):

PreventionGenetics, part of Exact Sciences
Classification: Likely benign for CDH23-related condition. Last evaluated: 2025-08-12. Review status: criteria provided, single submitter. Criteria: ACMG Guidelines, 2015. Collection method: clinical testing. Allele origin: germline.
Comment: This variant is classified as likely benign based on ACMG/AMP sequence variant interpretation guidelines (Richards et al. 2015 PMID: 25741868, with internal and published modifications).

Labcorp Genetics (formerly Invitae), Labcorp
Classification: Likely benign. Last evaluated: 2023-10-05. Review status: criteria provided, single submitter. Criteria: Invitae Variant Classification Sherloc (09022015). Collection method: clinical testing. Allele origin: germline.

Blueprint Genetics
Classification: Likely benign. Last evaluated: 2021-09-01. Review status: criteria provided, single submitter. Criteria: ACMG Guidelines, 2015. Collection method: clinical testing. Allele origin: germline.

NM_022124.6(CDH23):c.4360-7C>A

Gene: CDH23 (cadherin related 23; plus strand). Cytogenetic location: 10q22.1.
Variant type: single nucleotide variant.
Coding change: c.4360-7C>A on transcript NM_022124.6 (MANE Select); 7 bases into the intron before coding-DNA position 4360, C replaced by A.
Molecular consequence: intron variant.
Genome position (GRCh38, 1-based): chr10:71,739,637, C>A. VCF-style: chr10-71739637-C-A. GRCh37 (hg19) VCF-style: chr10-73499394-C-A.
Other names: c.4360-7C>A (NM_022124.5).
Identifiers: ClinVar variation 2913893 (VCV002913893.5), dbSNP rs1038419051, ClinGen allele CA209485384.
Genomic context (GRCh38, chr10:71,739,637, plus strand): 5'-CCCTTGGCTTGACCTGGCCACCTCTCCTCCACACCTGCTCACCCCTCACCCTCTCTTCTC[C>A]CCACAGGTGGTCTTCTCCCTGGCCTCTGGCAACATCGCGGGGGCCTTTGAGATCGTCACC-3'